The following is an entry in ClinVar:

NM_145239.3(PRRT2):c.809T>A (p.Ile270Asn)

Genes: MVP-DT (MVP divergent transcript; minus strand), PRRT2 (proline rich transmembrane protein 2; plus strand). Cytogenetic location: 16p11.2.
Variant type: single nucleotide variant.
Coding change: c.809T>A on transcript NM_145239.3 (MANE Select); coding-DNA position 809, T replaced by A.
Protein change: p.Ile270Asn; replaces isoleucine 270 with asparagine.
Molecular consequence: missense variant.
Genome position (GRCh38, 1-based): chr16:29,813,863, T>A. VCF-style: chr16-29813863-T-A. GRCh37 (hg19) VCF-style: chr16-29825184-T-A.
Other names: c.809T>A, p.Ile270Asn (NM_001256442.2, NM_001256443.2); short protein forms I270N.
Identifiers: ClinVar variation 1038906 (VCV001038906.11), dbSNP rs1900113819, ClinGen allele CA395479854.

ClinVar aggregate classification (germline): Uncertain significance. Review status: criteria provided, multiple submitters, no conflicts (2 of 4 stars). 2 submissions from 2 submitters: Uncertain significance (2). Last evaluated 2026-04-25.

Conditions:
Episodic kinesigenic dyskinesia (EKD). Also called: Paroxysmal kinesigenic dyskinesia. Identifiers: Orphanet 98809, MedGen C1868682, MONDO:0044202.

Submissions (2):

GeneDx
Classification: Uncertain significance. Last evaluated: 2026-04-25. Review status: criteria provided, single submitter. Criteria: GeneDx Variant Classification Process June 2021. Collection method: clinical testing. Allele origin: germline.
Comment: Published functional studies suggest that the variant does not affect expression, localization and Nav1.2 channel binding; however, further studies are needed (PMID: 37271286); Not observed at significant frequency in large population cohorts (gnomAD); In silico analysis supports that this missense variant has a deleterious effect on protein structure/function; This variant is associated with the following publications: (PMID: 32651081, 37271286)

Labcorp Genetics (formerly Invitae), Labcorp
Classification: Uncertain significance for Episodic kinesigenic dyskinesia. Last evaluated: 2024-02-17. Review status: criteria provided, single submitter. Criteria: Invitae Variant Classification Sherloc (09022015). Collection method: clinical testing. Allele origin: germline.
Comment: This sequence change replaces isoleucine, which is neutral and non-polar, with asparagine, which is neutral and polar, at codon 270 of the PRRT2 protein (p.Ile270Asn). This variant is not present in population databases (gnomAD no frequency). This missense change has been observed in individual(s) with paroxysmal kinesigenic dyskinesia (PMID: 32651081). ClinVar contains an entry for this variant (Variation ID: 1038906). Advanced modeling of protein sequence and biophysical properties (such as structural, functional, and spatial information, amino acid conservation, physicochemical variation, residue mobility, and thermodynamic stability) performed at Invitae indicates that this missense variant is expected to disrupt PRRT2 protein function with a positive predictive value of 80%. In summary, the available evidence is currently insufficient to determine the role of this variant in disease. Therefore, it has been classified as a Variant of Uncertain Significance.

Literature cited by the submitters: PubMed 32651081 (cited by Labcorp Genetics (formerly Invitae), Labcorp).